The following is an entry in ClinVar:

ClinVar aggregate classification (germline): Uncertain significance. Review status: criteria provided, multiple submitters, no conflicts (2 of 4 stars). 2 submissions from 2 submitters: Uncertain significance (2). Last evaluated 2023-11-28.

Conditions:
Familial hemophagocytic lymphohistiocytosis 4 (FHL4). Also called: STX11-Related Familial Hemophagocytic Lymphohistiocytosis (STX11-fHLH). Identifiers: Orphanet 540, MedGen C1863728, MONDO:0011336, OMIM 603552.
Inborn genetic diseases. Identifiers: MedGen C0950123, MeSH D030342.

Allele frequency attached by ClinVar (database versions not stated): ExAC 0.00001.

Submissions (2):

Ambry Genetics
Classification: Uncertain significance for Inborn genetic diseases. Last evaluated: 2023-11-28. Review status: criteria provided, single submitter. Criteria: Ambry Variant Classification Scheme 2023. Collection method: clinical testing. Allele origin: germline.

Labcorp Genetics (formerly Invitae), Labcorp
Classification: Uncertain significance for Familial hemophagocytic lymphohistiocytosis 4. Last evaluated: 2019-12-19. Review status: criteria provided, single submitter. Criteria: Invitae Variant Classification Sherloc (09022015). Collection method: clinical testing. Allele origin: germline.
Comment: In summary, the available evidence is currently insufficient to determine the role of this variant in disease. Therefore, it has been classified as a Variant of Uncertain Significance. Algorithms developed to predict the effect of missense changes on protein structure and function are either unavailable or do not agree on the potential impact of this missense change (SIFT: "Deleterious"; PolyPhen-2: "Probably Damaging"; Align-GVGD: "Class C0"). This variant has not been reported in the literature in individuals with STX11-related conditions. This variant is present in population databases (rs765907508, ExAC 0.009%). This sequence change replaces asparagine with serine at codon 248 of the STX11 protein (p.Asn248Ser). The asparagine residue is highly conserved and there is a small physicochemical difference between asparagine and serine.

NM_003764.4(STX11):c.743A>G (p.Asn248Ser)

Gene: STX11 (syntaxin 11; plus strand). Cytogenetic location: 6q24.2.
Variant type: single nucleotide variant.
Coding change: c.743A>G on transcript NM_003764.4 (MANE Select); coding-DNA position 743, A replaced by G.
Protein change: p.Asn248Ser; replaces asparagine 248 with serine.
Molecular consequence: missense variant.
Genome position (GRCh38, 1-based): chr6:144,187,370, A>G. VCF-style: chr6-144187370-A-G. GRCh37 (hg19) VCF-style: chr6-144508507-A-G.
Other names: short protein forms N248S.
Identifiers: ClinVar variation 862975 (VCV000862975.10), dbSNP rs765907508, ClinGen allele CA4031777.